The following is an entry in ClinVar:

ClinVar aggregate classification (germline): Uncertain significance (1 of 4 stars; one submission).

Conditions:
Long QT syndrome (LQTS). Identifiers: MedGen C0023976, MeSH D008133, MONDO:0002442. Disease mechanism: loss of function. Inheritance: Various modes of inheritance.

Submission:

Labcorp Genetics (formerly Invitae), Labcorp
Classification: Uncertain significance for Long QT syndrome. Last evaluated: 2018-07-31. Review status: criteria provided, single submitter. Criteria: Invitae Variant Classification Sherloc (09022015). Collection method: clinical testing. Allele origin: germline.
Comment: This sequence change replaces proline with alanine at codon 507 of the KCNH2 protein (p.Pro507Ala). The proline residue is highly conserved and there is a small physicochemical difference between proline and alanine. This variant is not present in population databases (ExAC no frequency). This variant has not been reported in the literature in individuals with KCNH2-related disease. Algorithms developed to predict the effect of missense changes on protein structure and function (SIFT, PolyPhen-2, Align-GVGD) all suggest that this variant is likely to be disruptive, but these predictions have not been confirmed by published functional studies and their clinical significance is uncertain. In summary, the available evidence is currently insufficient to determine the role of this variant in disease. Therefore, it has been classified as a Variant of Uncertain Significance.

NM_000238.4(KCNH2):c.1519C>G (p.Pro507Ala)

Gene: KCNH2 (potassium voltage-gated channel subfamily H member 2; minus strand). Cytogenetic location: 7q36.1.
Variant type: single nucleotide variant.
Coding change: c.1519C>G on transcript NM_000238.4 (MANE Select); coding-DNA position 1519, C replaced by G.
Protein change: p.Pro507Ala; replaces proline 507 with alanine.
Molecular consequence: missense variant.
Genome position (GRCh38, 1-based): chr7:150,952,463, G>C on the plus strand (C>G on the coding strand, the complement: KCNH2 is on the minus strand). VCF-style: chr7-150952463-G-C. GRCh37 (hg19) VCF-style: chr7-150649551-G-C.
Other names: c.499C>G, p.Pro167Ala (NM_001204798.2, NM_172057.3); c.1231C>G, p.Pro411Ala (NM_001406753.1, NM_001406756.1); c.1342C>G, p.Pro448Ala (NM_001406755.1); c.1219C>G, p.Pro407Ala (NM_001406757.1); c.1519C>G, p.Pro507Ala (NM_172056.3); short protein forms P507A, P167A, P407A, P411A, P448A.
Identifiers: ClinVar variation 656162 (VCV000656162.9), dbSNP rs794728371, ClinGen allele CA369859548.
Genomic context (GRCh38, chr7:150,952,463, plus strand): 5'-CCTGCCTCCTTGCTGACCCCACCTCCTCAGAGCCAGAGCCGAAGATGAGCAGGTCGAAGG[G>C]GATGGCGGCCACCATGTCGATGAGGAACCAGCCCTTGAAGTAGTGGACGGCGATGCGGCC-3'
Protein context (NP_000229.1, residues 497-517): WFLIDMVAAI[Pro507Ala]FDLLIFGSGS